The following is an entry in ClinVar:

ClinVar aggregate classification (germline): Uncertain significance (1 of 4 stars; one submission).

Conditions:
Neurofibromatosis, type 1 (NF1). Also called: Peripheral type neurofibromatosis; Neurofibromatosis, type I; VON RECKLINGHAUSEN DISEASE; NEUROFIBROMATOSIS, TYPE I, SOMATIC. Identifiers: Orphanet 636, MedGen C0027831, MONDO:0018975, OMIM 162200. Disease mechanism: loss of function.

Submission:

Labcorp Genetics (formerly Invitae), Labcorp
Classification: Uncertain significance for Neurofibromatosis, type 1. Last evaluated: 2019-12-03. Review status: criteria provided, single submitter. Criteria: Invitae Variant Classification Sherloc (09022015). Collection method: clinical testing. Allele origin: germline.
Comment: This variant is a gross deletion of the genomic region encompassing exon 57 of the NF1 gene. The 5' boundary is likely confined to intron 56. The 3' end of this event is unknown as it extends through the termination codon beyond the assayed region for this gene and may encompass additional genes. While this deletion is not anticipated to result in nonsense mediated decay, it is expected to create a truncated protein product or disrupt mRNA translation. In summary, the available evidence is currently insufficient to determine the role of this variant in disease. Therefore, it has been classified as a Variant of Uncertain Significance. This variant has not been reported in the literature in individuals with NF1-related conditions.

NC_000017.11:g.(?_31374003)_(31374155_?)del

Gene: NF1 (neurofibromin 1; plus strand). Cytogenetic location: 17q11.2.
Variant type: Deletion.
Identifiers: ClinVar variation 832994 (VCV000832994.3).